The following is an entry in ClinVar:

NM_172107.4(KCNQ2):c.2007G>A (p.Pro669=)

Gene: KCNQ2 (potassium voltage-gated channel subfamily Q member 2; minus strand). Cytogenetic location: 20q13.33.
Variant type: single nucleotide variant.
Coding change: c.2007G>A on transcript NM_172107.4 (MANE Select); coding-DNA position 2007, G replaced by A.
Protein change: p.Pro669=; no amino-acid change (proline 669 retained).
Molecular consequence: synonymous variant.
Genome position (GRCh38, 1-based): chr20:63,407,256, C>T on the plus strand (G>A on the coding strand, the complement: KCNQ2 is on the minus strand). VCF-style: chr20-63407256-C-T. GRCh37 (hg19) VCF-style: chr20-62038609-C-T.
Other names: c.1914G>A, p.Pro638= (NM_172108.5); c.1923G>A, p.Pro641= (NM_004518.6); c.1953G>A, p.Pro651= (NM_172106.3).
Identifiers: ClinVar variation 381240 (VCV000381240.10), dbSNP rs542053755, ClinGen allele CA9958172.
Genomic context (GRCh38, chr20:63,407,256, plus strand): 5'-GATCTTGACAATGCAGCCGTGCCTGTCGACATGCTCCCGGCTGTCTTCCGGGCTGTGGTA[C>T]GGCGGCGCCGGCTCCGGCTCTTTGGCCCCAAAGTAGGCCTCGGTCTCTGTCGGGGGGATG-3'
Protein context (NP_742105.1, residues 659-679): FGAKEPEPAP[Pro669=]YHSPEDSREH

ClinVar aggregate classification (germline): Likely benign. Review status: criteria provided, multiple submitters, no conflicts (2 of 4 stars). 2 submissions from 2 submitters: Likely benign (2). Last evaluated 2025-09-30.

Conditions:
Early-infantile DEE. Also called: Ohtahara syndrome; Early infantile epileptic encephalopathy with suppression bursts; Early infantile epileptic encephalopathy. Identifiers: Orphanet 1934, MedGen C0393706, MONDO:0800491.

Allele frequency attached by ClinVar (database versions not stated): TOPMed 0.00003; gnomAD 0.00006.
gnomAD v4.1: 58 of 1,597,934 alleles (0.0036%); highest among the groups gnomAD compares: Admixed American, 0.012%; no homozygotes.

Submissions (2):

Labcorp Genetics (formerly Invitae), Labcorp
Classification: Likely benign for Early-infantile DEE. Last evaluated: 2025-09-30. Review status: criteria provided, single submitter. Criteria: Invitae Variant Classification Sherloc (09022015). Collection method: clinical testing. Allele origin: germline.

GeneDx
Classification: Likely benign. Last evaluated: 2017-07-28. Review status: criteria provided, single submitter. Criteria: GeneDx Variant Classification (06012015). Collection method: clinical testing. Allele origin: germline. Affected: yes.
Comment: This variant is considered likely benign or benign based on one or more of the following criteria: it is a conservative change, it occurs at a poorly conserved position in the protein, it is predicted to be benign by multiple in silico algorithms, and/or has population frequency not consistent with disease.